The following is an entry in ClinVar:

ClinVar aggregate classification (germline): Uncertain significance (1 of 4 stars; one submission).

gnomAD v4.1: 1 of 1,614,066 alleles (0.000062%); highest among the groups gnomAD compares: Non-Finnish European, 0.000085%; no homozygotes.

Submission:

Greenwood Genetic Center Diagnostic Laboratories, Greenwood Genetic Center
Classification: Uncertain significance. Last evaluated: 2021-01-21. Review status: criteria provided, single submitter. Criteria: ACMG Guidelines, 2015. Collection method: clinical testing. Allele origin: germline. Affected: yes.
Comment: PM2

NM_001005273.3(CHD3):c.5339C>T (p.Ala1780Val)

Gene: CHD3 (chromodomain helicase DNA binding protein 3; plus strand). Cytogenetic location: 17p13.1.
Variant type: single nucleotide variant.
Coding change: c.5339C>T on transcript NM_001005273.3 (MANE Select); coding-DNA position 5339, C replaced by T.
Protein change: p.Ala1780Val; replaces alanine 1780 with valine.
Molecular consequence: missense variant.
Genome position (GRCh38, 1-based): chr17:7,908,774, C>T. VCF-style: chr17-7908774-C-T. GRCh37 (hg19) VCF-style: chr17-7812092-C-T.
Other names: c.5516C>T, p.Ala1839Val (NM_001005271.3); c.5237C>T, p.Ala1746Val (NM_005852.4); short protein forms A1746V, A1780V, A1839V.
Identifiers: ClinVar variation 1331657 (VCV001331657.4), dbSNP rs2151661582, ClinGen allele CA397949514.